The following is an entry in ClinVar:

ClinVar aggregate classification (germline): Uncertain significance (1 of 4 stars; one submission).

Conditions:
Developmental and epileptic encephalopathy, 34 (DEE34). Also called: Early infantile epileptic encephalopathy 34; SLC12A5-Related Epilepsy of Infancy with Migrating Focal Seizures. Identifiers: Orphanet 293181, MedGen C4225257, MONDO:0014718, OMIM 616645.

Allele frequency attached by ClinVar (database versions not stated): TOPMed 0.00016; ExAC 0.00001; gnomAD exomes 0.00001; gnomAD 0.00015.
gnomAD v4.1: 32 of 1,613,740 alleles (0.002%); highest among the groups gnomAD compares: Admixed American, 0.052%; no homozygotes.

Submission:

Labcorp Genetics (formerly Invitae), Labcorp
Classification: Uncertain significance for Developmental and epileptic encephalopathy, 34. Last evaluated: 2022-11-07. Review status: criteria provided, single submitter. Criteria: Invitae Variant Classification Sherloc (09022015). Collection method: clinical testing. Allele origin: germline.
Comment: In summary, the available evidence is currently insufficient to determine the role of this variant in disease. Therefore, it has been classified as a Variant of Uncertain Significance. Variants that disrupt the consensus splice site are a relatively common cause of aberrant splicing (PMID: 17576681, 9536098). Algorithms developed to predict the effect of sequence changes on RNA splicing suggest that this variant is not likely to affect RNA splicing. This variant has not been reported in the literature in individuals affected with SLC12A5-related conditions. This variant is present in population databases (rs777964908, gnomAD 0.02%). This sequence change falls in intron 4 of the SLC12A5 gene. It does not directly change the encoded amino acid sequence of the SLC12A5 protein. It affects a nucleotide within the consensus splice site.

Literature cited by the submitters: PubMed 17576681; PubMed 9536098.

NM_020708.5(SLC12A5):c.427-3C>T

Gene: SLC12A5 (solute carrier family 12 member 5; plus strand). Cytogenetic location: 20q13.12.
Variant type: single nucleotide variant.
Coding change: c.427-3C>T on transcript NM_020708.5 (MANE Select); 3 bases into the intron before coding-DNA position 427, C replaced by T.
Molecular consequence: intron variant.
Genome position (GRCh38, 1-based): chr20:46,036,738, C>T. VCF-style: chr20-46036738-C-T. GRCh37 (hg19) VCF-style: chr20-44665377-C-T.
Other names: c.496-3C>T (NM_001134771.2).
Identifiers: ClinVar variation 2177815 (VCV002177815.2), dbSNP rs777964908, ClinGen allele CA9887070.